The following is an entry in ClinVar:

ClinVar aggregate classification (germline): Uncertain significance (1 of 4 stars; one submission).

Conditions:
Early-infantile DEE. Also called: Early infantile epileptic encephalopathy; Early infantile epileptic encephalopathy with suppression bursts; Ohtahara syndrome. Identifiers: Orphanet 1934, MedGen C0393706, MONDO:0800491.

Submission:

Labcorp Genetics (formerly Invitae), Labcorp
Classification: Uncertain significance for Early-infantile DEE. Last evaluated: 2023-03-11. Review status: criteria provided, single submitter. Criteria: Invitae Variant Classification Sherloc (09022015). Collection method: clinical testing. Allele origin: germline.
Comment: This sequence change replaces alanine, which is neutral and non-polar, with threonine, which is neutral and polar, at codon 1042 of the SCN8A protein (p.Ala1042Thr). This variant is not present in population databases (gnomAD no frequency). This variant has not been reported in the literature in individuals affected with SCN8A-related conditions. Advanced modeling of protein sequence and biophysical properties (such as structural, functional, and spatial information, amino acid conservation, physicochemical variation, residue mobility, and thermodynamic stability) performed at Invitae indicates that this missense variant is not expected to disrupt SCN8A protein function. In summary, the available evidence is currently insufficient to determine the role of this variant in disease. Therefore, it has been classified as a Variant of Uncertain Significance.

NM_001330260.2(SCN8A):c.3124G>A (p.Ala1042Thr)

Gene: SCN8A (sodium voltage-gated channel alpha subunit 8; plus strand). Cytogenetic location: 12q13.13.
Variant type: single nucleotide variant.
Coding change: c.3124G>A on transcript NM_001330260.2 (MANE Select); coding-DNA position 3124, G replaced by A.
Protein change: p.Ala1042Thr; replaces alanine 1042 with threonine.
Molecular consequence: missense variant.
Genome position (GRCh38, 1-based): chr12:51,769,087, G>A. VCF-style: chr12-51769087-G-A. GRCh37 (hg19) VCF-style: chr12-52162871-G-A.
Other names: c.3124G>A, p.Ala1042Thr (NM_001177984.3, NM_001369788.1, NM_014191.4); short protein forms A1042T.
Identifiers: ClinVar variation 2845017 (VCV002845017.3), dbSNP rs2540266406, ClinGen allele CA384892566.